The following is an entry in ClinVar:

ClinVar aggregate classification (germline): Uncertain significance. Review status: criteria provided, multiple submitters, no conflicts (2 of 4 stars). 2 submissions from 2 submitters: Uncertain significance (2). Last evaluated 2024-02-27.

Conditions:
LAMB2-related infantile-onset nephrotic syndrome. Also called: NEPHROTIC SYNDROME, TYPE 5, WITHOUT OCULAR ABNORMALITIES; NEPHROTIC SYNDROME, TYPE 5, WITH OCULAR ABNORMALITIES; Nephrotic Syndrome, type 5. Identifiers: Orphanet 306507, MedGen C3280113, MONDO:0013621, OMIM 614199.
Pierson syndrome. Also called: MICROCORIA-CONGENITAL NEPHROTIC SYNDROME. Identifiers: Orphanet 2670, MedGen C1836876, MONDO:0012184, OMIM 609049.

Allele frequency attached by ClinVar (database versions not stated): ExAC 0.00008; gnomAD 0.00009; gnomAD exomes 0.00010; TOPMed 0.00013; ESP Exome Variant Server 0.00023.
gnomAD v4.1: 218 of 1,608,608 alleles (0.014%); highest among the groups gnomAD compares: Non-Finnish European, 0.017%; no homozygotes.

Submissions (2):

Fulgent Genetics
Classification: Uncertain significance for Pierson syndrome; LAMB2-related infantile-onset nephrotic syndrome. Last evaluated: 2024-02-27. Review status: criteria provided, single submitter. Criteria: ACMG Guidelines, 2015. Collection method: clinical testing. Allele origin: germline.

Labcorp Genetics (formerly Invitae), Labcorp
Classification: Uncertain significance for LAMB2-related infantile-onset nephrotic syndrome; Pierson syndrome. Last evaluated: 2022-08-06. Review status: criteria provided, single submitter. Criteria: Invitae Variant Classification Sherloc (09022015). Collection method: clinical testing. Allele origin: germline.
Comment: This sequence change replaces glycine, which is neutral and non-polar, with alanine, which is neutral and non-polar, at codon 1425 of the LAMB2 protein (p.Gly1425Ala). This variant is present in population databases (rs141317511, gnomAD 0.02%). This variant has not been reported in the literature in individuals affected with LAMB2-related conditions. ClinVar contains an entry for this variant (Variation ID: 568997). Algorithms developed to predict the effect of missense changes on protein structure and function (SIFT, PolyPhen-2, Align-GVGD) all suggest that this variant is likely to be disruptive. In summary, the available evidence is currently insufficient to determine the role of this variant in disease. Therefore, it has been classified as a Variant of Uncertain Significance.

NM_002292.4(LAMB2):c.4274G>C (p.Gly1425Ala)

Gene: LAMB2 (laminin subunit beta 2; minus strand). Cytogenetic location: 3p21.31.
Variant type: single nucleotide variant.
Coding change: c.4274G>C on transcript NM_002292.4 (MANE Select); coding-DNA position 4274, G replaced by C.
Protein change: p.Gly1425Ala; replaces glycine 1425 with alanine.
Molecular consequence: missense variant.
Genome position (GRCh38, 1-based): chr3:49,123,003, C>G on the plus strand (G>C on the coding strand, the complement: LAMB2 is on the minus strand). VCF-style: chr3-49123003-C-G. GRCh37 (hg19) VCF-style: chr3-49160436-C-G.
Other names: short protein forms G1425A.
Identifiers: ClinVar variation 568997 (VCV000568997.6), dbSNP rs141317511, ClinGen allele CA2393821.